The following is an entry in ClinVar:

NM_000156.6(GAMT):c.623G>T (p.Arg208Leu)

Gene: GAMT (guanidinoacetate N-methyltransferase; minus strand). Cytogenetic location: 19p13.3.
Variant type: single nucleotide variant.
Coding change: c.623G>T on transcript NM_000156.6 (MANE Select); coding-DNA position 623, G replaced by T.
Protein change: p.Arg208Leu; replaces arginine 208 with leucine.
Molecular consequence: missense variant.
Genome position (GRCh38, 1-based): chr19:1,397,447, C>A on the plus strand (G>T on the coding strand, the complement: GAMT is on the minus strand). VCF-style: chr19-1397447-C-A. GRCh37 (hg19) VCF-style: chr19-1397446-C-A.
Other names: c.623G>T (NM_000156.5); short protein forms R208L.
Identifiers: ClinVar variation 2145165 (VCV002145165.3), dbSNP rs767887772, ClinGen allele CA9043554.

ClinVar aggregate classification (germline): Conflicting classifications of pathogenicity. Review status: criteria provided, conflicting classifications (1 of 4 stars). 2 submissions from 2 submitters: Uncertain significance (1); Likely benign (1). Last evaluated 2026-07-13.

Conditions:
Cerebral creatine deficiency syndrome. Also called: Creatine deficiency syndromes. Identifiers: Orphanet 79172, MedGen C5244016, MONDO:0000456.
Inborn genetic diseases. Identifiers: MedGen C0950123, MeSH D030342.

gnomAD v4.1: 29 of 1,610,162 alleles (0.0018%); highest among the groups gnomAD compares: Non-Finnish European, 0.0024%; no homozygotes.

Submissions (2):

Ambry Genetics
Classification: Likely benign for Inborn genetic diseases. Last evaluated: 2026-07-13. Review status: criteria provided, single submitter. Criteria: Ambry Variant Classification Scheme 2023. Collection method: clinical testing. Allele origin: germline.

Labcorp Genetics (formerly Invitae), Labcorp
Classification: Uncertain significance for Cerebral creatine deficiency syndrome. Last evaluated: 2024-01-22. Review status: criteria provided, single submitter. Criteria: Invitae Variant Classification Sherloc (09022015). Collection method: clinical testing. Allele origin: germline.
Comment: This sequence change replaces arginine, which is basic and polar, with leucine, which is neutral and non-polar, at codon 208 of the GAMT protein (p.Arg208Leu). This variant is present in population databases (rs767887772, gnomAD 0.003%). This variant has not been reported in the literature in individuals affected with GAMT-related conditions. ClinVar contains an entry for this variant (Variation ID: 2145165). Advanced modeling of protein sequence and biophysical properties (such as structural, functional, and spatial information, amino acid conservation, physicochemical variation, residue mobility, and thermodynamic stability) performed at Invitae indicates that this missense variant is not expected to disrupt GAMT protein function with a negative predictive value of 95%. In summary, the available evidence is currently insufficient to determine the role of this variant in disease. Therefore, it has been classified as a Variant of Uncertain Significance.